The following is an entry in ClinVar:

ClinVar aggregate classification (germline): Uncertain significance (1 of 4 stars; one submission).

Submission:

Labcorp Genetics (formerly Invitae), Labcorp
Classification: Uncertain significance. Last evaluated: 2023-05-30. Review status: criteria provided, single submitter. Criteria: Invitae Variant Classification Sherloc (09022015). Collection method: clinical testing. Allele origin: germline.
Comment: In summary, the available evidence is currently insufficient to determine the role of this variant in disease. Therefore, it has been classified as a Variant of Uncertain Significance. Advanced modeling of protein sequence and biophysical properties (such as structural, functional, and spatial information, amino acid conservation, physicochemical variation, residue mobility, and thermodynamic stability) performed at Invitae indicates that this missense variant is not expected to disrupt MYH3 protein function. This variant has not been reported in the literature in individuals affected with MYH3-related conditions. This variant is not present in population databases (gnomAD no frequency). This sequence change replaces serine, which is neutral and polar, with tyrosine, which is neutral and polar, at codon 1475 of the MYH3 protein (p.Ser1475Tyr).

NM_002470.4(MYH3):c.4424C>A (p.Ser1475Tyr)

Genes: MYH3 (myosin heavy chain 3; minus strand), LOC130060295 (ATAC-STARR-seq lymphoblastoid active region 11731; plus strand). Cytogenetic location: 17p13.1.
Variant type: single nucleotide variant.
Coding change: c.4424C>A on transcript NM_002470.4 (MANE Select); coding-DNA position 4424, C replaced by A.
Protein change: p.Ser1475Tyr; replaces serine 1475 with tyrosine.
Molecular consequence: missense variant.
Genome position (GRCh38, 1-based): chr17:10,634,115, G>T on the plus strand (C>A on the coding strand, the complement: MYH3 is on the minus strand). VCF-style: chr17-10634115-G-T. GRCh37 (hg19) VCF-style: chr17-10537432-G-T.
Other names: short protein forms S1475Y.
Identifiers: ClinVar variation 2867189 (VCV002867189.3), dbSNP rs758848489, ClinGen allele CA398143039.